The following is an entry in ClinVar:

ClinVar aggregate classification (germline): Likely pathogenic (1 of 4 stars; one submission).

Submission:

GeneDx
Classification: Likely pathogenic. Last evaluated: 2012-11-19. Review status: criteria provided, single submitter. Criteria: GeneDx Variant Classification (06012015). Collection method: clinical testing. Allele origin: germline. Affected: yes.
Comment: This variant is denoted p.Tyr79Asn (TAC>AAC): c.235 T>A in exon 2 of the MYBPC3 gene (NM_000256.3). The Tyr79Asn variant in the MYBPC3 gene has not been reported as a disease-causing mutation or as a benign polymorphism to our knowledge. Tyr79Asn results in a semi-conservative amino acid substitution of large, polar Tyrosine with medium sized, polar Asparagine at a position that is conserved across species. In silico analysis predicts Tyr79Asn is probably damaging to the protein structure/function. Mutations in nearby residues (Asp75Asn, Gly84Asp) have been reported in association with cardiomyopathy, further supporting the functional importance of this region of the protein. Furthermore, the NHLBI ESP Exome Variant Server reports Tyr79Asn was not observed in approximately 6,000 samples from individuals of European and African American backgrounds, indicating it is not a common benign variant in these populations. However, data from ethnically-matched control individuals were not available to assess for a population-specific benign variant.In summary, while Tyr79Asn is a good candidate for a disease-causing mutation, with the clinical and molecular information available at this time we cannot unequivocally determine the clinical significance of this variant. The variant is found in HCM panel(s).

NM_000256.3(MYBPC3):c.235T>A (p.Tyr79Asn)

Gene: MYBPC3 (myosin binding protein C3; minus strand). Cytogenetic location: 11p11.2.
Variant type: single nucleotide variant.
Coding change: c.235T>A on transcript NM_000256.3 (MANE Select); coding-DNA position 235, T replaced by A.
Protein change: p.Tyr79Asn; replaces tyrosine 79 with asparagine.
Molecular consequence: missense variant.
Genome position (GRCh38, 1-based): chr11:47,351,296, A>T on the plus strand (T>A on the coding strand, the complement: MYBPC3 is on the minus strand). VCF-style: chr11-47351296-A-T. GRCh37 (hg19) VCF-style: chr11-47372847-A-T.
Other names: p.Y79N:TAC>AAC; c.235T>A, p.Tyr79Asn (LRG_386t1); short protein forms Y79N.
Identifiers: ClinVar variation 180990 (VCV000180990.2), dbSNP rs730880581, ClinGen allele CA012128.
Genomic context (GRCh38, chr11:47,351,296, plus strand): 5'-TACCTGCCTCTATGACCTTGAGGTCGAACTTGACCTTGGAGGAGCCAGCAATGACTGCGT[A>T]AGATCCCTGGTCGGCAGGGCCCACTTCCCGCACTGTCAGCGTATGCCGTGTGCCCTCTGT-3'
Protein context (NP_000247.2, residues 69-89): REVGPADQGS[Tyr79Asn]AVIAGSSKVK